The following is an entry in ClinVar:

NM_001330260.2(SCN8A):c.1666C>T (p.Leu556Phe)

Gene: SCN8A (sodium voltage-gated channel alpha subunit 8; plus strand). Cytogenetic location: 12q13.13.
Variant type: single nucleotide variant.
Coding change: c.1666C>T on transcript NM_001330260.2 (MANE Select); coding-DNA position 1666, C replaced by T.
Protein change: p.Leu556Phe; replaces leucine 556 with phenylalanine.
Molecular consequence: missense variant.
Genome position (GRCh38, 1-based): chr12:51,721,576, C>T. VCF-style: chr12-51721576-C-T. GRCh37 (hg19) VCF-style: chr12-52115360-C-T.
Other names: c.1666C>T, p.Leu556Phe (NM_001177984.3, NM_001369788.1, NM_014191.4); short protein forms L556F.
Identifiers: ClinVar variation 2756087 (VCV002756087.3), dbSNP rs773118948, ClinGen allele CA385229322.

ClinVar aggregate classification (germline): Uncertain significance (1 of 4 stars; one submission).

Conditions:
Early-infantile DEE. Also called: Ohtahara syndrome; Early infantile epileptic encephalopathy; Early infantile epileptic encephalopathy with suppression bursts. Identifiers: Orphanet 1934, MedGen C0393706, MONDO:0800491.

Submission:

Labcorp Genetics (formerly Invitae), Labcorp
Classification: Uncertain significance for Early-infantile DEE. Last evaluated: 2023-08-28. Review status: criteria provided, single submitter. Criteria: Invitae Variant Classification Sherloc (09022015). Collection method: clinical testing. Allele origin: germline.
Comment: This sequence change replaces leucine, which is neutral and non-polar, with phenylalanine, which is neutral and non-polar, at codon 556 of the SCN8A protein (p.Leu556Phe). This variant is not present in population databases (gnomAD no frequency). This variant has not been reported in the literature in individuals affected with SCN8A-related conditions. Advanced modeling of protein sequence and biophysical properties (such as structural, functional, and spatial information, amino acid conservation, physicochemical variation, residue mobility, and thermodynamic stability) performed at Invitae indicates that this missense variant is not expected to disrupt SCN8A protein function. In summary, the available evidence is currently insufficient to determine the role of this variant in disease. Therefore, it has been classified as a Variant of Uncertain Significance.